The following is an entry in ClinVar:

ClinVar aggregate classification (germline): Pathogenic (1 of 4 stars; one submission).

Submission:

Labcorp Genetics (formerly Invitae), Labcorp
Classification: Pathogenic. Last evaluated: 2022-05-12. Review status: criteria provided, single submitter. Criteria: Invitae Variant Classification Sherloc (09022015). Collection method: clinical testing. Allele origin: germline.
Comment: For these reasons, this variant has been classified as Pathogenic. This variant has not been reported in the literature in individuals affected with CAD-related conditions. This variant is not present in population databases (gnomAD no frequency). This sequence change creates a premature translational stop signal (p.Ala879Glnfs*3) in the CAD gene. It is expected to result in an absent or disrupted protein product. Loss-of-function variants in CAD are known to be pathogenic (PMID: 28007989, 32117025, 32820246, 33497533).

Literature cited by the submitters: PubMed 28007989; PubMed 32117025; PubMed 32820246; PubMed 33497533.

NM_004341.5(CAD):c.2634del (p.Ala879fs)

Genes: CAD (carbamoyl-phosphate synthetase 2, aspartate transcarbamylase, and dihydroorotase; plus strand), LOC126806171 (BRD4-independent group 4 enhancer GRCh37_chr2:27454350-27455549; plus strand). Cytogenetic location: 2p23.3.
Variant type: Deletion.
Coding change: c.2634del on transcript NM_004341.5 (MANE Select); coding-DNA position 2634, one base deleted (T; older notation c.2634delT).
Protein change: p.Ala879fs; shifts the reading frame from alanine 879.
Molecular consequence: frameshift variant.
Genome position (GRCh38, 1-based): chr2:27,232,213, T deleted; the last of 2 consecutive T bases (chr2:27,232,212-27,232,213); deleting either gives the same sequence. VCF-style (leftmost placement, unchanged base first): chr2-27232211-CT-C. GRCh37 (hg19) VCF-style: chr2-27455079-CT-C.
Other names: c.2445del, p.Ala816fs (NM_001306079.2); short protein forms A816fs, A879fs.
Identifiers: ClinVar variation 2118936 (VCV002118936.4), dbSNP rs2465325640, ClinGen allele CA2580066267.
Genomic context (GRCh38, chr2:27,232,211, plus strand): 5'-TTGCCGCCAGACCTGCTGCAACAGGCCAAGTGTCTTGGCTTCTCAGACAAACAGATTGCC[CT>C]TGCAGTTCTGAGGTCAGAGGTGGCAATGAGAGCTTCCGGCTGGGAAATGTGGGGCAGAAC-3'